The following is an entry in ClinVar:

NM_001267550.2(TTN):c.35037G>A (p.Pro11679=)

Gene: TTN (titin; minus strand). Cytogenetic location: 2q31.2.
Variant type: single nucleotide variant.
Coding change: c.35037G>A on transcript NM_001267550.2 (MANE Select); coding-DNA position 35037, G replaced by A.
Protein change: p.Pro11679=; no amino-acid change (proline 11679 retained).
Molecular consequence: synonymous variant. On other transcripts: intron variant (3).
Genome position (GRCh38, 1-based): chr2:178,672,161, C>T on the plus strand (G>A on the coding strand, the complement: TTN is on the minus strand). VCF-style: chr2-178672161-C-T. GRCh37 (hg19) VCF-style: chr2-179536888-C-T.
Other names: c.33915G>A, p.Pro11305= (NM_001256850.1); c.31134G>A, p.Pro10378= (NM_133378.4); c.13283-29844G>A (NM_003319.4); c.13859-29844G>A (NM_133437.4); c.13658-29844G>A (NM_133432.3).
Identifiers: ClinVar variation 46912 (VCV000046912.48), dbSNP rs369095270, ClinGen allele CA139498.

ClinVar aggregate classification (germline): Conflicting classifications of pathogenicity. Review status: criteria provided, conflicting classifications (1 of 4 stars). 9 submissions from 9 submitters: Uncertain significance (1); Likely benign (8). Last evaluated 2026-08-01.

Conditions:
Autosomal recessive limb-girdle muscular dystrophy type 2J (LGMDR10). Also called: MUSCULAR DYSTROPHY, LIMB-GIRDLE, AUTOSOMAL RECESSIVE 10; Limb-girdle muscular dystrophy, type 2J. Identifiers: Orphanet 140922, MedGen C1837342, MONDO:0012127, OMIM 608807.
Dilated cardiomyopathy 1G (CMD1G). Identifiers: Orphanet 154, MedGen C1858763, MONDO:0011400, OMIM 604145.
Cardiomyopathy (CMYO). Also called: Cardiomyopathies. Identifiers: Orphanet 167848, MedGen C0878544, MONDO:0004994, HP:0001638. Inheritance: Various modes of inheritance.

Allele frequency attached by ClinVar (database versions not stated): TOPMed 0.00014; ExAC 0.00043; gnomAD 0.00011 and 0.00013.
gnomAD v4.1: 356 of 1,595,374 alleles (0.022%); highest among the groups gnomAD compares: South Asian, 0.046%; 1 homozygote.

Submissions (9):

CeGaT Center for Human Genetics Tuebingen
Classification: Likely benign. Last evaluated: 2026-08-01. Review status: criteria provided, single submitter. Criteria: CeGaT Center For Human Genetics Tuebingen Variant Classification Criteria Version 2. Collection method: clinical testing. Allele origin: germline. Affected: yes. Observed: 2 variant alleles.
Comment: TTN: BP4, BP7

Women's Health and Genetics/Laboratory Corporation of America, LabCorp
Classification: Likely benign. Last evaluated: 2026-03-11. Review status: criteria provided, single submitter. Criteria: LabCorp Variant Classification Summary - May 2015. Collection method: clinical testing. Allele origin: germline.

Labcorp Genetics (formerly Invitae), Labcorp
Classification: Likely benign for Dilated cardiomyopathy 1G; Autosomal recessive limb-girdle muscular dystrophy type 2J. Last evaluated: 2026-01-31. Review status: criteria provided, single submitter. Criteria: Invitae Variant Classification Sherloc (09022015). Collection method: clinical testing. Allele origin: germline.

Molecular Diagnostic Laboratory for Inherited Cardiovascular Disease, Montreal Heart Institute
Classification: Likely benign. Last evaluated: 2025-04-09. Review status: criteria provided, single submitter. Criteria: ACMG Guidelines, 2015. Collection method: clinical testing. Allele origin: germline. Affected: no.

Blueprint Genetics
Classification: Likely benign. Last evaluated: 2024-10-24. Review status: criteria provided, single submitter. Criteria: ACMG Guidelines, 2015. Collection method: clinical testing. Allele origin: germline.

CHEO Genetics Diagnostic Laboratory, Children's Hospital of Eastern Ontario
Classification: Likely benign for Cardiomyopathy. Last evaluated: 2022-11-10. Review status: criteria provided, single submitter. Criteria: ACMG Guidelines, 2015. Collection method: clinical testing. Allele origin: germline. Study: Canadian Open Genetics Repository.

GeneDx
Classification: Likely benign. Last evaluated: 2017-06-06. Review status: criteria provided, single submitter. Criteria: GeneDx Variant Classification (06012015). Collection method: clinical testing. Allele origin: germline. Affected: yes.
Comment: This variant is considered likely benign or benign based on one or more of the following criteria: it is a conservative change, it occurs at a poorly conserved position in the protein, it is predicted to be benign by multiple in silico algorithms, and/or has population frequency not consistent with disease.

Laboratory for Molecular Medicine, Mass General Brigham Personalized Medicine
Classification: Likely benign. Last evaluated: 2017-02-06. Review status: criteria provided, single submitter. Criteria: LMM Criteria. Collection method: clinical testing. Allele origin: germline. Observed: 2 variant alleles.
Comment: p.Pro10378Pro in exon 150 of TTN: This variant is not expected to have clinical significance because it does not alter an amino acid residue and it is not locat ed within the splice consensus sequence. It has been identified in 0.1% (12/1263 6) of South Asian chromosomes by the Exome Aggregation Consortium (ExAC; dbSNP rs369095270).

Eurofins Ntd Llc (ga)
Classification: Uncertain significance. Last evaluated: 2015-12-03. Review status: criteria provided, single submitter. Criteria: EGL Classification Definitions 2015. Collection method: clinical testing. Allele origin: germline. Observed: 2 variant alleles, 2 heterozygotes.